The following is an entry in ClinVar:

ClinVar aggregate classification (germline): Pathogenic (1 of 4 stars; one submission).

Conditions:
Neurofibromatosis, type 1 (NF1). Also called: Peripheral type neurofibromatosis; VON RECKLINGHAUSEN DISEASE; Neurofibromatosis, type I; NEUROFIBROMATOSIS, TYPE I, SOMATIC. Identifiers: Orphanet 636, MedGen C0027831, MONDO:0018975, OMIM 162200. Disease mechanism: loss of function.

Submission:

Labcorp Genetics (formerly Invitae), Labcorp
Classification: Pathogenic for Neurofibromatosis, type 1. Last evaluated: 2023-11-21. Review status: criteria provided, single submitter. Criteria: Invitae Variant Classification Sherloc (09022015). Collection method: clinical testing. Allele origin: germline.
Comment: This sequence change creates a premature translational stop signal (p.Lys1345Valfs*28) in the NF1 gene. It is expected to result in an absent or disrupted protein product. Loss-of-function variants in NF1 are known to be pathogenic (PMID: 10712197, 23913538). This variant is not present in population databases (gnomAD no frequency). This premature translational stop signal has been observed in individual(s) with neurofibromatosis type 1 (PMID: 31066482). For these reasons, this variant has been classified as Pathogenic.

Literature cited by the submitters: PubMed 10712197; PubMed 23913538; PubMed 31066482.

NM_001042492.3(NF1):c.4033_4034del (p.Lys1345fs)

Gene: NF1 (neurofibromin 1; plus strand). Cytogenetic location: 17q11.2.
Variant type: Deletion.
Coding change: c.4033_4034del on transcript NM_001042492.3 (MANE Select); coding-DNA positions 4033 to 4034, 2 bases deleted (AA; older notation c.4033_4034delAA).
Protein change: p.Lys1345fs; shifts the reading frame from lysine 1345.
Molecular consequence: frameshift variant.
Genome position (GRCh38, 1-based): chr17:31,249,042-31,249,043, AA deleted; deleting any 2 consecutive bases within chr17:31,249,040-31,249,043 gives the same sequence; the c. name uses the placement nearest the transcript's 3' end. VCF-style (leftmost placement, unchanged base first): chr17-31249039-GAA-G. GRCh37 (hg19) VCF-style: chr17-29576057-GAA-G.
Other names: c.4033_4034delAA, p.Lys1345Valfs (NM_000267.4); short protein forms K1345fs.
Identifiers: ClinVar variation 2697828 (VCV002697828.3), dbSNP rs2067449346, ClinGen allele CA2697559771.